The following is an entry in ClinVar:

NM_016151.4(TAOK2):c.742G>A (p.Gly248Arg)

Gene: TAOK2 (TAO kinase 2; plus strand). Cytogenetic location: 16p11.2.
Variant type: single nucleotide variant.
Coding change: c.742G>A on transcript NM_016151.4 (MANE Select); coding-DNA position 742, G replaced by A.
Protein change: p.Gly248Arg; replaces glycine 248 with arginine.
Molecular consequence: missense variant.
Genome position (GRCh38, 1-based): chr16:29,981,747, G>A. VCF-style: chr16-29981747-G-A. GRCh37 (hg19) VCF-style: chr16-29993068-G-A.
Other names: c.742G>A, p.Gly248Arg (NM_001252043.2, NM_004783.4); short protein forms G248R.
Identifiers: ClinVar variation 1482194 (VCV001482194.8), dbSNP rs1234073466, ClinGen allele CA395474227.

ClinVar aggregate classification (germline): Uncertain significance (1 of 4 stars; one submission).

Allele frequency attached by ClinVar (database versions not stated): gnomAD exomes below 0.00001 and 0.00003; gnomAD 0.00001.
gnomAD v4.1: 38 of 1,614,018 alleles (0.0024%); highest among the groups gnomAD compares: Non-Finnish European, 0.0031%; no homozygotes.

Submission:

Labcorp Genetics (formerly Invitae), Labcorp
Classification: Uncertain significance. Last evaluated: 2021-05-20. Review status: criteria provided, single submitter. Criteria: Invitae Variant Classification Sherloc (09022015). Collection method: clinical testing. Allele origin: germline.
Comment: This sequence change replaces glycine with arginine at codon 248 of the TAOK2 protein (p.Gly248Arg). The glycine residue is weakly conserved and there is a moderate physicochemical difference between glycine and arginine. This variant is not present in population databases (ExAC no frequency). This variant has not been reported in the literature in individuals with TAOK2-related conditions. Algorithms developed to predict the effect of missense changes on protein structure and function (SIFT, PolyPhen-2, Align-GVGD) all suggest that this variant is likely to be tolerated, but these predictions have not been confirmed by published functional studies and their clinical significance is uncertain. In summary, the available evidence is currently insufficient to determine the role of this variant in disease. Therefore, it has been classified as a Variant of Uncertain Significance.